The following is an entry in ClinVar:

ClinVar aggregate classification (germline): Likely benign. Review status: reviewed by expert panel (3 of 4 stars). 4 submissions from 4 submitters: Likely benign (1). 3 of the submissions do not count toward it. Last evaluated 2017-06-29.

Conditions:
Hereditary breast ovarian cancer syndrome. Also called: Hereditary breast and ovarian cancer; Hereditary breast and ovarian cancer syndrome; Breast and ovarian cancer; Hereditary breast and ovarian cancer syndrome (HBOC); Hereditary breast and/or ovarian cancer syndrome; BRCA1- and BRCA2-Associated Hereditary Breast and Ovarian Cancer. Identifiers: Orphanet 145, MedGen C0677776, MeSH D061325, MONDO:0003582. Disease mechanism: loss of function.
Breast-ovarian cancer, familial, susceptibility to, 2 (BROVCA2). Also called: BRCA2 Hereditary Breast and Ovarian Cancer. Identifiers: Orphanet 145, MedGen C2675520, MONDO:0012933, OMIM 612555. Disease mechanism: loss of function.
Hereditary cancer-predisposing syndrome. Also called: Hereditary Cancer Syndrome; Neoplastic Syndromes, Hereditary; Tumor predisposition; Hereditary neoplastic syndrome. Identifiers: Orphanet 140162, MedGen C0027672, MeSH D009386, MONDO:0015356.

Allele frequency attached by ClinVar (database versions not stated): TOPMed below 0.00001; gnomAD 0.00001.

Submissions (4):

Evidence-based Network for the Interpretation of Germline Mutant Alleles (ENIGMA)
Classification: Likely benign for Breast-ovarian cancer, familial, susceptibility to, 2. Last evaluated: 2017-06-29. Review status: reviewed by expert panel. Criteria: ENIGMA BRCA1/2 Classification Criteria (2017-06-29). Collection method: curation. Allele origin: germline.
Comment: Synonymous substitution variant, with low bioinformatic likelihood to result in a splicing aberration (Splicing prior probability 0.02).

Labcorp Genetics (formerly Invitae), Labcorp
Classification: Likely benign for Hereditary breast ovarian cancer syndrome. Last evaluated: 2023-11-06. Review status: criteria provided, single submitter. Criteria: Invitae Variant Classification Sherloc (09022015). Collection method: clinical testing. Allele origin: germline. Not counted in ClinVar's aggregate classification.

Color Diagnostics, LLC DBA Color Health
Classification: Likely benign for Hereditary cancer-predisposing syndrome. Last evaluated: 2020-01-15. Review status: criteria provided, single submitter. Criteria: ACMG Guidelines, 2015. Collection method: clinical testing. Allele origin: germline. Not counted in ClinVar's aggregate classification.

Ambry Genetics
Classification: Likely benign for Hereditary cancer-predisposing syndrome. Last evaluated: 2014-09-23. Review status: criteria provided, single submitter. Criteria: Ambry Variant Classification Scheme 2023. Collection method: clinical testing. Allele origin: germline. Not counted in ClinVar's aggregate classification.

NM_000059.4(BRCA2):c.3894T>A (p.Ile1298=)

Gene: BRCA2 (BRCA2 DNA repair associated; plus strand). Cytogenetic location: 13q13.1.
Variant type: single nucleotide variant.
Coding change: c.3894T>A on transcript NM_000059.4 (MANE Select); coding-DNA position 3894, T replaced by A.
Protein change: p.Ile1298=; no amino-acid change (isoleucine 1298 retained).
Molecular consequence: synonymous variant.
Genome position (GRCh38, 1-based): chr13:32,338,249, T>A. VCF-style: chr13-32338249-T-A. GRCh37 (hg19) VCF-style: chr13-32912386-T-A.
Identifiers: ClinVar variation 186508 (VCV000186508.18), dbSNP rs41293487, ClinGen allele CA019081.